The following is an entry in ClinVar:

NM_006922.4(SCN3A):c.2816T>A (p.Val939Glu)

Gene: SCN3A (sodium voltage-gated channel alpha subunit 3; minus strand). Cytogenetic location: 2q24.3.
Variant type: single nucleotide variant.
Coding change: c.2816T>A on transcript NM_006922.4 (MANE Select); coding-DNA position 2816, T replaced by A.
Protein change: p.Val939Glu; replaces valine 939 with glutamic acid.
Molecular consequence: missense variant.
Genome position (GRCh38, 1-based): chr2:165,130,046, A>T on the plus strand (T>A on the coding strand, the complement: SCN3A is on the minus strand). VCF-style: chr2-165130046-A-T. GRCh37 (hg19) VCF-style: chr2-165986556-A-T.
Other names: c.2669T>A, p.Val890Glu (NM_001081676.2, NM_001081677.2); short protein forms V890E, V939E.
Identifiers: ClinVar variation 1721308 (VCV001721308.5), dbSNP rs2468250583, ClinGen allele CA349042457.

ClinVar aggregate classification (germline): Uncertain significance (1 of 4 stars; one submission).

Submission:

Labcorp Genetics (formerly Invitae), Labcorp
Classification: Uncertain significance. Last evaluated: 2022-10-08. Review status: criteria provided, single submitter. Criteria: Invitae Variant Classification Sherloc (09022015). Collection method: clinical testing. Allele origin: germline.
Comment: This missense change has been observed in individual(s) with SCN3A-related conditions (Invitae). Advanced modeling of protein sequence and biophysical properties (such as structural, functional, and spatial information, amino acid conservation, physicochemical variation, residue mobility, and thermodynamic stability) has been performed at Invitae for this missense variant, however the output from this modeling did not meet the statistical confidence thresholds required to predict the impact of this variant on SCN3A protein function. This variant disrupts the p.Val939 amino acid residue in SCN3A. Other variant(s) that disrupt this residue have been observed in individuals with SCN3A-related conditions (Invitae), which suggests that this may be a clinically significant amino acid residue. This variant is not present in population databases (gnomAD no frequency). In summary, the available evidence is currently insufficient to determine the role of this variant in disease. Therefore, it has been classified as a Variant of Uncertain Significance. This sequence change replaces valine, which is neutral and non-polar, with glutamic acid, which is acidic and polar, at codon 939 of the SCN3A protein (p.Val939Glu).